The following is an entry in ClinVar:

NM_003482.4(KMT2D):c.4955A>T (p.Lys1652Met)

Gene: KMT2D (lysine methyltransferase 2D; minus strand). Cytogenetic location: 12q13.12.
Variant type: single nucleotide variant.
Coding change: c.4955A>T on transcript NM_003482.4 (MANE Select); coding-DNA position 4955, A replaced by T.
Protein change: p.Lys1652Met; replaces lysine 1652 with methionine.
Molecular consequence: missense variant.
Genome position (GRCh38, 1-based): chr12:49,044,752, T>A on the plus strand (A>T on the coding strand, the complement: KMT2D is on the minus strand). VCF-style: chr12-49044752-T-A. GRCh37 (hg19) VCF-style: chr12-49438535-T-A.
Other names: short protein forms K1652M.
Identifiers: ClinVar variation 3369997 (VCV003369997.1).
Genomic context (GRCh38, chr12:49,044,752, plus strand): 5'-CCAGAGTCACGCTCCCCCTACTCTGCCGCTCCCTAAGATTCCCCAAGCTAACCTTCACCC[T>A]TGAGCAGCTCATCGGTGTCCAGGTCCCCATCCTTCTTGTCATCAGGGCCAAGGGCATCTG-3'
Protein context (NP_003473.3, residues 1642-1662): DGDLDTDELL[Lys1652Met]GEGGVEHMEC

ClinVar aggregate classification (germline): Uncertain significance (1 of 4 stars; one submission).

Submission:

GeneDx
Classification: Uncertain significance. Last evaluated: 2023-12-18. Review status: criteria provided, single submitter. Criteria: GeneDx Variant Classification Process June 2021. Collection method: clinical testing. Allele origin: germline. Affected: yes.
Comment: Not observed at significant frequency in large population cohorts (gnomAD); In silico analysis supports that this missense variant does not alter protein structure/function; Has not been previously published as pathogenic or benign to our knowledge